The following is an entry in ClinVar:

NM_021008.4(DEAF1):c.1580_1582del (p.Phe527del)

Gene: DEAF1 (DEAF1 transcription factor; minus strand). Cytogenetic location: 11p15.5.
Variant type: Deletion.
Coding change: c.1580_1582del on transcript NM_021008.4 (MANE Select); coding-DNA positions 1580 to 1582, 3 bases deleted (TCT; older notation c.1580_1582delTCT).
Protein change: p.Phe527del; deletes phenylalanine 527.
Molecular consequence: inframe deletion. On other transcripts: inframe indel (1).
Genome position (GRCh38, 1-based): chr11:653,973-653,975, AGA deleted on the plus strand (TCT on the coding strand, the reverse complement: DEAF1 is on the minus strand); deleting any 3 consecutive bases within chr11:653,973-653,977 gives the same sequence; the c. name uses the placement nearest the transcript's 3' end. VCF-style (leftmost placement, unchanged base first): chr11-653972-CAGA-C. GRCh37 (hg19) VCF-style: chr11-653972-CAGA-C.
Other names: c.1353_1355delCTT, p.Phe452del (NM_001293634.2); c.854_856del, p.Phe285del (NM_001367390.1); short protein forms F527del, F452del, F285del.
Identifiers: ClinVar variation 422007 (VCV000422007.2), dbSNP rs776366013, ClinGen allele CA5786153.
Genomic context (GRCh38, chr11:653,972, plus strand): 5'-GTAGCGAGGGAGGAGGCGGGGGCACTGAGCCTGGTGTAGGTGAGACCTACCTTGCGTTGG[CAGA>C]AGGTGGAGCAGTAGTTGACCTTGTGGCAGCCGGTGCACTCGCTCATAGCCTCCCGGCCGC-3'

ClinVar aggregate classification (germline): Uncertain significance (1 of 4 stars; one submission).

Submission:

GeneDx
Classification: Uncertain significance. Last evaluated: 2016-08-11. Review status: criteria provided, single submitter. Criteria: GeneDx Variant Classification (06012015). Collection method: clinical testing. Allele origin: germline. Affected: yes.
Comment: The c.1580_1582delTCT variant in the DEAF1 gene has not been reported previously as a pathogenic variant nor as a benign variant, to our knowledge. This variant causes a single amino acid deletion of codon Phenylalanine 527, denoted. p.F527del. The c.1580_1582delTCT variant was not observed in approximately 6500 individuals of European and African American ancestry in the NHLBI Exome Sequencing Project, indicating it is not a common benign variant in these populations. We interpret c.1580_1582delTCT as a variant of uncertain significance.